The following is an entry in ClinVar:

NM_006035.4(CDC42BPB):c.3615G>A (p.Trp1205Ter)

Gene: CDC42BPB (CDC42 binding protein kinase beta; minus strand). Cytogenetic location: 14q32.32.
Variant type: single nucleotide variant.
Coding change: c.3615G>A on transcript NM_006035.4 (MANE Select); coding-DNA position 3615, G replaced by A.
Protein change: p.Trp1205Ter; replaces tryptophan 1205 with a stop codon.
Molecular consequence: nonsense.
Genome position (GRCh38, 1-based): chr14:102,946,601, C>T on the plus strand (G>A on the coding strand, the complement: CDC42BPB is on the minus strand). VCF-style: chr14-102946601-C-T. GRCh37 (hg19) VCF-style: chr14-103412938-C-T.
Other names: short protein forms W1205*.
Identifiers: ClinVar variation 1251945 (VCV001251945.1), dbSNP rs1346688931, ClinGen allele CA391077896.
Genomic context (GRCh38, chr14:102,946,601, plus strand): 5'-GACCTGATTCCTCAGCCGGTTTTTATGAAGGATGGACTGGAGTCCTTCTAGAATCCCAAC[C>T]CACTTCCTCTTTTCATTCTCATTTTCTGTCAGAATGAGCAGCGAGCTGGTCTTAGAAGGT-3'

ClinVar aggregate classification (germline): Likely pathogenic (1 of 4 stars; one submission).

Conditions:
Neurodevelopmental disorder. Identifiers: MedGen C1535926, MeSH D065886, MONDO:0700092.

Submission:

HudsonAlpha Institute for Biotechnology
Classification: Likely pathogenic for Neurodevelopmental disorder. Last evaluated: 2021-04-26. Review status: criteria provided, single submitter. Criteria: ACMG Guidelines, 2015. Collection method: research. Allele origin: maternal. Affected: yes. Observed: 1 variant allele. Study: HudsonAlpha-AGHI-WGS.
Comment: ACMG codes:PVS1; PM2